The following is an entry in ClinVar:

ClinVar aggregate classification (germline): Uncertain significance. Review status: criteria provided, multiple submitters, no conflicts (2 of 4 stars). 2 submissions from 2 submitters: Uncertain significance (2). Last evaluated 2023-10-28.

Conditions:
Rhabdoid tumor predisposition syndrome 2 (RTPS2). Identifiers: Orphanet 231108, Orphanet 69077, MedGen C2750074, MONDO:0013224, OMIM 613325.
Hereditary cancer-predisposing syndrome. Also called: Neoplastic Syndromes, Hereditary; Tumor predisposition; Hereditary Cancer Syndrome; Hereditary neoplastic syndrome. Identifiers: Orphanet 140162, MedGen C0027672, MeSH D009386, MONDO:0015356.

Submissions (2):

Labcorp Genetics (formerly Invitae), Labcorp
Classification: Uncertain significance for Rhabdoid tumor predisposition syndrome 2. Last evaluated: 2023-10-28. Review status: criteria provided, single submitter. Criteria: Invitae Variant Classification Sherloc (09022015). Collection method: clinical testing. Allele origin: germline.
Comment: This variant, c.4830_4832del, results in the deletion of 1 amino acid(s) of the SMARCA4 protein (p.Glu1612del), but otherwise preserves the integrity of the reading frame. This variant is not present in population databases (gnomAD no frequency). This variant has not been reported in the literature in individuals affected with SMARCA4-related conditions. ClinVar contains an entry for this variant (Variation ID: 484955). In summary, the available evidence is currently insufficient to determine the role of this variant in disease. Therefore, it has been classified as a Variant of Uncertain Significance.

Ambry Genetics
Classification: Uncertain significance for Hereditary cancer-predisposing syndrome. Last evaluated: 2020-01-06. Review status: criteria provided, single submitter. Criteria: Ambry Variant Classification Scheme 2023. Collection method: clinical testing. Allele origin: germline.
Comment: The c.4830_4832delGGA variant (also known as p.E1612del) is located in coding exon 33 of the SMARCA4 gene. This variant results from an in-frame GGA deletion at nucleotide positions 4830 to 4832. This results in the in-frame deletion of a glutamic acid at codon 1612. The deleted amino acid position is well conserved in available vertebrate species. Since supporting evidence is limited at this time, the clinical significance of this alteration remains unclear.

NM_003072.5(SMARCA4):c.4728GGA[2] (p.Glu1580del)

Gene: SMARCA4 (SWI/SNF related BAF chromatin remodeling complex subunit ATPase 4; plus strand). Cytogenetic location: 19p13.2.
Variant type: Microsatellite.
Coding change: c.4728GGA[2] on transcript NM_003072.5 (MANE Select); two copies in a row of the 3-base unit GGA starting at c.4728; the reference has three copies in a row; one copy, 3 bases deleted.
Protein change: p.Glu1580del; deletes glutamic acid 1580.
Molecular consequence: inframe deletion. On other transcripts: non-coding transcript variant (1).
Genome position (GRCh38, 1-based): chr19:11,059,851-11,059,853, GGA deleted; deleting any 3 consecutive bases within chr19:11,059,843-11,059,853 gives the same sequence; the position shown is the placement nearest the transcript's 3' end. VCF-style (leftmost placement, unchanged base first): chr19-11059842-TGAG-T. GRCh37 (hg19) VCF-style: chr19-11170518-TGAG-T.
Other names: c.4728GGA[2], p.Glu1580del (NM_001128844.3); c.4638GGA[2], p.Glu1550del (NM_001128845.2); c.4635GGA[2], p.Glu1549del (NM_001128846.2); c.4629GGA[2], p.Glu1547del (NM_001128847.4, NM_001374457.1); c.4626GGA[2], p.Glu1546del (NM_001128848.2); c.4824GGA[2], p.Glu1612del (NM_001128849.3, NM_001387283.1); short protein forms E1612del, E1547del, E1546del, E1549del, E1580del, E1550del.
Identifiers: ClinVar variation 484955 (VCV000484955.8), dbSNP rs1555795992, ClinGen allele CA658658776.
Genomic context (GRCh38, chr19:11,059,842, plus strand): 5'-GGTCTTCACCAGCGTGCGGCAGAAAATCGAGAAGGAGGATGACAGTGAAGGCGAGGAGAG[TGAG>T]GAGGAGGAAGAGGGCGAGGAGGAAGGCTCCGAATCCGAATGTGAGTCCCGGGGGGGTTCA-3'